The following is an entry in ClinVar:

ClinVar aggregate classification (germline): Uncertain significance. Review status: criteria provided, multiple submitters, no conflicts (2 of 4 stars). 2 submissions from 2 submitters: Uncertain significance (2). Last evaluated 2023-08-08.

Conditions:
Brugada syndrome 4 (BRGDA4). Identifiers: Orphanet 130, MedGen C2678477, MONDO:0012743, OMIM 611876.
Cardiovascular phenotype. Identifiers: MedGen CN230736.

Submissions (2):

Ambry Genetics
Classification: Uncertain significance for Cardiovascular phenotype. Last evaluated: 2023-08-08. Review status: criteria provided, single submitter. Criteria: Ambry Variant Classification Scheme 2023. Collection method: clinical testing. Allele origin: germline.
Comment: The p.D3G variant (also known as c.8A>G), located in coding exon 1 of the CACNB2 gene, results from an A to G substitution at nucleotide position 8. The aspartic acid at codon 3 is replaced by glycine, an amino acid with similar properties. This amino acid position is highly conserved in available vertebrate species. In addition, the in silico prediction for this alteration is inconclusive. The evidence for this gene-disease relationship is limited; therefore, the clinical significance of this alteration is unclear.

Labcorp Genetics (formerly Invitae), Labcorp
Classification: Uncertain significance for Brugada syndrome 4. Last evaluated: 2022-06-22. Review status: criteria provided, single submitter. Criteria: Invitae Variant Classification Sherloc (09022015). Collection method: clinical testing. Allele origin: germline.
Comment: This sequence change replaces aspartic acid, which is acidic and polar, with glycine, which is neutral and non-polar, at codon 3 of the CACNB2 protein (p.Asp3Gly). This variant is not present in population databases (gnomAD no frequency). This variant has not been reported in the literature in individuals affected with CACNB2-related conditions. Algorithms developed to predict the effect of missense changes on protein structure and function are either unavailable or do not agree on the potential impact of this missense change (SIFT: "Tolerated"; PolyPhen-2: "Possibly Damaging"; Align-GVGD: "Class C0"). In summary, the available evidence is currently insufficient to determine the role of this variant in disease. Therefore, it has been classified as a Variant of Uncertain Significance.

NM_201590.3(CACNB2):c.8A>G (p.Asp3Gly)

Gene: CACNB2 (calcium voltage-gated channel auxiliary subunit beta 2; plus strand). Cytogenetic location: 10p12.32.
Variant type: single nucleotide variant.
Coding change: c.8A>G on transcript NM_201590.3 (MANE Plus Clinical); coding-DNA position 8, A replaced by G.
Protein change: p.Asp3Gly; replaces aspartic acid 3 with glycine.
Molecular consequence: missense variant. On other transcripts: intron variant (8).
Genome position (GRCh38, 1-based): chr10:18,340,934, A>G. VCF-style: chr10-18340934-A-G. GRCh37 (hg19) VCF-style: chr10-18629863-A-G.
Other names: c.130-60990A>G (NM_201571.4, NM_001167945.2, NM_201572.4); c.214-60990A>G (NM_201596.3, NM_201593.3, NM_201597.3); c.49-60990A>G (NM_000724.4, NM_001330060.2); c.8A>G (NM_201590.2); short protein forms D3G.
Identifiers: ClinVar variation 2026707 (VCV002026707.6), dbSNP rs2041208121, ClinGen allele CA376219115.